The following is an entry in ClinVar:

NM_001184.4(ATR):c.138del (p.Asp47fs)

Gene: ATR (ATR checkpoint kinase; minus strand). Cytogenetic location: 3q23.
Variant type: Deletion.
Coding change: c.138del on transcript NM_001184.4 (MANE Select); coding-DNA position 138, one base deleted (A; older notation c.138delA).
Protein change: p.Asp47fs; shifts the reading frame from aspartic acid 47.
Molecular consequence: frameshift variant.
Genome position (GRCh38, 1-based): chr3:142,568,076, T deleted on the plus strand (A on the coding strand, the reverse complement: ATR is on the minus strand). VCF-style (leftmost placement, unchanged base first): chr3-142568075-CT-C. GRCh37 (hg19) VCF-style: chr3-142286917-CT-C.
Other names: c.138del, p.Asp47fs (NM_001354579.2); short protein forms D47fs.
Identifiers: ClinVar variation 3011635 (VCV003011635.3), dbSNP rs755536244, ClinGen allele CA2650839.

ClinVar aggregate classification (germline): Pathogenic (1 of 4 stars; one submission).

Allele frequency attached by ClinVar (database versions not stated): gnomAD exomes below 0.00001; ExAC 0.00001.

Submission:

Labcorp Genetics (formerly Invitae), Labcorp
Classification: Pathogenic. Last evaluated: 2025-03-06. Review status: criteria provided, single submitter. Criteria: Invitae Variant Classification Sherloc (09022015). Collection method: clinical testing. Allele origin: germline.
Comment: This sequence change creates a premature translational stop signal (p.Asp47Metfs*2) in the ATR gene. It is expected to result in an absent or disrupted protein product. Loss-of-function variants in ATR are known to be pathogenic (PMID: 21228398, 23144622). This variant is present in population databases (rs755536244, gnomAD 0.0009%). This variant has not been reported in the literature in individuals affected with ATR-related conditions. ClinVar contains an entry for this variant (Variation ID: 3011635). For these reasons, this variant has been classified as Pathogenic.

Literature cited by the submitters: PubMed 21228398; PubMed 23144622.